The following is an entry in ClinVar:

NM_003737.4(DCHS1):c.7552G>C (p.Val2518Leu)

Gene: DCHS1 (dachsous cadherin-related 1; minus strand). Cytogenetic location: 11p15.4.
Variant type: single nucleotide variant.
Coding change: c.7552G>C on transcript NM_003737.4 (MANE Select); coding-DNA position 7552, G replaced by C.
Protein change: p.Val2518Leu; replaces valine 2518 with leucine.
Molecular consequence: missense variant.
Genome position (GRCh38, 1-based): chr11:6,624,124, C>G on the plus strand (G>C on the coding strand, the complement: DCHS1 is on the minus strand). VCF-style: chr11-6624124-C-G. GRCh37 (hg19) VCF-style: chr11-6645355-C-G.
Other names: short protein forms V2518L.
Identifiers: ClinVar variation 3620981 (VCV003620981.2).
Genomic context (GRCh38, chr11:6,624,124, plus strand): 5'-CCAGCCTGGGTTCCAGCTGGAAGACTCGGCCCCAGTTGCCACTGATGATGCTGTAGTCCA[C>G]AGCGGCATGGCTGCGGCTTCCATCAGCATCTGTAGCCTCCAGGGTGAGCAGAGTGGAGCC-3'
Protein context (NP_003728.1, residues 2508-2528): DADGSRSHAA[Val2518Leu]DYSIISGNWG

ClinVar aggregate classification (germline): Uncertain significance (1 of 4 stars; one submission).

gnomAD v4.1: 7 of 1,611,804 alleles (0.00043%); highest among the groups gnomAD compares: Non-Finnish European, 0.00059%; no homozygotes.

Submission:

Labcorp Genetics (formerly Invitae), Labcorp
Classification: Uncertain significance. Last evaluated: 2025-09-22. Review status: criteria provided, single submitter. Criteria: Invitae Variant Classification Sherloc (09022015). Collection method: clinical testing. Allele origin: germline.
Comment: This sequence change replaces valine, which is neutral and non-polar, with leucine, which is neutral and non-polar, at codon 2518 of the DCHS1 protein (p.Val2518Leu). This variant is present in population databases (rs761220789, gnomAD 0.0009%). This variant has not been reported in the literature in individuals affected with DCHS1-related conditions. ClinVar contains an entry for this variant (Variation ID: 3620981). An algorithm developed to predict the effect of missense changes on protein structure and function outputs the following: PolyPhen-2: "Benign". The leucine amino acid residue is found in multiple mammalian species, which suggests that this missense change does not adversely affect protein function. In summary, the available evidence is currently insufficient to determine the role of this variant in disease. Therefore, it has been classified as a Variant of Uncertain Significance.